The following is an entry in ClinVar:

ClinVar aggregate classification (germline): Uncertain significance (1 of 4 stars; one submission).

Submission:

GeneDx
Classification: Uncertain significance. Last evaluated: 2023-10-26. Review status: criteria provided, single submitter. Criteria: GeneDx Variant Classification Process June 2021. Collection method: clinical testing. Allele origin: germline. Affected: yes.
Comment: Not observed at significant frequency in large population cohorts (gnomAD); In silico analysis supports that this missense variant has a deleterious effect on protein structure/function; Has not been previously published as pathogenic or benign to our knowledge

NM_014991.6(WDFY3):c.8732T>C (p.Ile2911Thr)

Gene: WDFY3 (WD repeat and FYVE domain containing 3; minus strand). Cytogenetic location: 4q21.23.
Variant type: single nucleotide variant.
Coding change: c.8732T>C on transcript NM_014991.6 (MANE Select); coding-DNA position 8732, T replaced by C.
Protein change: p.Ile2911Thr; replaces isoleucine 2911 with threonine.
Molecular consequence: missense variant.
Genome position (GRCh38, 1-based): chr4:84,696,139, A>G on the plus strand (T>C on the coding strand, the complement: WDFY3 is on the minus strand). VCF-style: chr4-84696139-A-G. GRCh37 (hg19) VCF-style: chr4-85617292-A-G.
Other names: short protein forms I2911T.
Identifiers: ClinVar variation 3363377 (VCV003363377.1).